The following is an entry in ClinVar:

NM_000238.4(KCNH2):c.2690delinsCGACAC (p.Lys897fs)

Gene: KCNH2 (potassium voltage-gated channel subfamily H member 2; minus strand). Cytogenetic location: 7q36.1.
Variant type: Indel.
Coding change: c.2690delinsCGACAC on transcript NM_000238.4 (MANE Select); coding-DNA position 2690, A replaced by CGACAC.
Protein change: p.Lys897fs; shifts the reading frame from lysine 897.
Molecular consequence: frameshift variant.
Genome position (GRCh38, 1-based): chr7:150,948,446, T replaced by GTGTCG on the plus strand (A replaced by CGACAC on the coding strand, the reverse complement: KCNH2 is on the minus strand). VCF-style: chr7-150948446-T-GTGTCG. GRCh37 (hg19) VCF-style: chr7-150645534-T-GTGTCG.
Other names: c.1670delinsCGACAC, p.Lys557fs (NM_172057.3); short protein forms K557fs, K897fs.
Identifiers: ClinVar variation 663923 (VCV000663923.5), dbSNP rs1584846819, ClinGen allele CA915945571.

ClinVar aggregate classification (germline): Pathogenic (1 of 4 stars; one submission).

Conditions:
Long QT syndrome (LQTS). Identifiers: MedGen C0023976, MeSH D008133, MONDO:0002442. Disease mechanism: loss of function. Inheritance: Various modes of inheritance.

Submission:

Labcorp Genetics (formerly Invitae), Labcorp
Classification: Pathogenic for Long QT syndrome. Last evaluated: 2022-08-09. Review status: criteria provided, single submitter. Criteria: Invitae Variant Classification Sherloc (09022015). Collection method: clinical testing. Allele origin: germline.
Comment: For these reasons, this variant has been classified as Pathogenic. This variant has not been reported in the literature in individuals affected with KCNH2-related conditions. This variant is not present in population databases (gnomAD no frequency). This sequence change creates a premature translational stop signal (p.Lys897Thrfs*79) in the KCNH2 gene. It is expected to result in an absent or disrupted protein product. Loss-of-function variants in KCNH2 are known to be pathogenic (PMID: 10973849, 19862833).

Literature cited by the submitters: PubMed 10973849; PubMed 19862833.